The following is an entry in ClinVar:

ClinVar aggregate classification (germline): Uncertain significance. Review status: criteria provided, multiple submitters, no conflicts (2 of 4 stars). 4 submissions from 4 submitters: Uncertain significance (4). Last evaluated 2025-10-16.

Conditions:
Megacystis-microcolon-intestinal hypoperistalsis syndrome 1. Identifiers: MedGen C5542316, MONDO:0100354, OMIM 249210.
Aortic aneurysm, familial thoracic 7 (AAT7). Also called: AORTIC DISSECTION, FAMILIAL, WITH OR WITHOUT AORTIC ANEURYSM. Identifiers: MedGen C3151077, MONDO:0013418, OMIM 613780.
Familial thoracic aortic aneurysm and aortic dissection (TAAD). Also called: Thoracic aortic aneurysms and dissections. Identifiers: Orphanet 91387, MedGen C4707243, MONDO:0019625.

Allele frequency attached by ClinVar (database versions not stated): ExAC 0.00001; gnomAD exomes 0.00001 and 0.00002; gnomAD 0.00004; TOPMed 0.00006.
gnomAD v4.1: 34 of 1,614,036 alleles (0.0021%); highest among the groups gnomAD compares: East Asian, 0.022%; no homozygotes.

Submissions (4):

Labcorp Genetics (formerly Invitae), Labcorp
Classification: Uncertain significance for Aortic aneurysm, familial thoracic 7. Last evaluated: 2025-10-16. Review status: criteria provided, single submitter. Criteria: Invitae Variant Classification Sherloc (09022015). Collection method: clinical testing. Allele origin: germline.
Comment: This sequence change replaces glycine, which is neutral and non-polar, with arginine, which is basic and polar, at codon 238 of the MYLK protein (p.Gly238Arg). This variant is present in population databases (rs771169789, gnomAD 0.005%). This missense change has been observed in individual(s) with thoracic aortic aneurysm and dissection (PMID: 36517271). ClinVar contains an entry for this variant (Variation ID: 851420). Invitae Evidence Modeling of protein sequence and biophysical properties (such as structural, functional, and spatial information, amino acid conservation, physicochemical variation, residue mobility, and thermodynamic stability) indicates that this missense variant is not expected to disrupt MYLK protein function with a negative predictive value of 95%. In summary, the available evidence is currently insufficient to determine the role of this variant in disease. Therefore, it has been classified as a Variant of Uncertain Significance.

Ambry Genetics
Classification: Uncertain significance for Familial thoracic aortic aneurysm and aortic dissection. Last evaluated: 2025-10-07. Review status: criteria provided, single submitter. Criteria: Ambry Variant Classification Scheme 2023. Collection method: clinical testing. Allele origin: germline.
Comment: The p.G238R variant (also known as c.712G>A), located in coding exon 5 of the MYLK gene, results from a G to A substitution at nucleotide position 712. The glycine at codon 238 is replaced by arginine, an amino acid with dissimilar properties. This variant was reported in an individual with ectopia lentis and thoracic aortic aneurysm and dissection who harbored an additional variant in the FBN1 gene (Yang H et al. J Thorac Cardiovasc Surg, 2023 Dec;166:1594-1603.e5). This amino acid position is not well conserved in available vertebrate species. In addition, the in silico prediction for this alteration is inconclusive. Based on the available evidence, the clinical significance of this variant remains unclear.

GeneDx
Classification: Uncertain significance. Last evaluated: 2024-07-15. Review status: criteria provided, single submitter. Criteria: GeneDx Variant Classification Process June 2021. Collection method: clinical testing. Allele origin: germline. Affected: yes.
Comment: Has not been previously published as pathogenic or benign to our knowledge; Not observed at significant frequency in large population cohorts (gnomAD); In silico analysis indicates that this missense variant does not alter protein structure/function

Fulgent Genetics
Classification: Uncertain significance for Megacystis-microcolon-intestinal hypoperistalsis syndrome 1; Aortic aneurysm, familial thoracic 7. Last evaluated: 2021-08-27. Review status: criteria provided, single submitter. Criteria: ACMG Guidelines, 2015. Collection method: clinical testing. Allele origin: unknown.

Literature cited by the submitters: PubMed 36517271 (cited by Labcorp Genetics (formerly Invitae), Labcorp and Ambry Genetics).

NM_053025.4(MYLK):c.712G>A (p.Gly238Arg)

Gene: MYLK (myosin light chain kinase; minus strand). Cytogenetic location: 3q21.1.
Variant type: single nucleotide variant.
Coding change: c.712G>A on transcript NM_053025.4 (MANE Select); coding-DNA position 712, G replaced by A.
Protein change: p.Gly238Arg; replaces glycine 238 with arginine.
Molecular consequence: missense variant.
Genome position (GRCh38, 1-based): chr3:123,737,420, C>T on the plus strand (G>A on the coding strand, the complement: MYLK is on the minus strand). VCF-style: chr3-123737420-C-T. GRCh37 (hg19) VCF-style: chr3-123456267-C-T.
Other names: c.184G>A, p.Gly62Arg (NM_001321309.2); c.712G>A, p.Gly238Arg (NM_053026.4, NM_053027.4, NM_053028.4); short protein forms G238R, G62R.
Identifiers: ClinVar variation 851420 (VCV000851420.12), dbSNP rs771169789, ClinGen allele CA073480.